The following is an entry in ClinVar:

GRCh37/hg19 5p15.31-14.3(chr5:8081005-22210970)x1

Genes: ANKH (ANKH inorganic pyrophosphate transport regulator; minus strand), ANKRD33B (ankyrin repeat domain 33B; plus strand), ATPSCKMT (ATP synthase c subunit lysine N-methyltransferase; minus strand), BASP1 (brain abundant membrane attached signal protein 1; plus strand), CCT5 (chaperonin containing TCP1 subunit 5; plus strand) and 20 more. Cytogenetic location: 5p15.31-14.3.
Variant type: copy number loss.
Change: copy number 1 (one copy instead of two) of chr5:8,081,005-22,210,970 (14.13 Mb, GRCh37 coordinates, 1-based), cytogenetic band 5p15.31-14.3.
Identifiers: ClinVar variation 1807840 (VCV001807840.1).

ClinVar aggregate classification (germline): Pathogenic (1 of 4 stars; one submission).

Submission:

Quest Diagnostics Nichols Institute San Juan Capistrano
Classification: Pathogenic. Last evaluated: 2021-12-27. Review status: criteria provided, single submitter. Criteria: ACMG/ClinGen CNV Guidelines, 2019. Collection method: clinical testing. Allele origin: unknown.
Comment: This imbalance is expected to cause phenotypic and developmental abnormalities. It includes the CTNND2 and TRIO genes among others and overlaps a portion of the region associated with the contiguous gene deletion syndrome cri-du-chat (OMIM 123450). Typical features of cri-du-chat include: a high-pitched, monotone, catlike crying during the first years of life, facial dysmorphisms, intellectual impairment, and developmental delay. Since the copy number loss involves only the proximal cri-du-chat region, the phenotype may be variable. However, the copy number loss encompasses the CTNND2 gene, which is implicated in the intellectual disability phenotype of cri-du-chat syndrome (Belcaro et al. Gene. 2015 Jul 1;565(1):146-9. PMID: 25839933). Additionally, haploinsufficiency of TRIO causes autosomal dominant intellectual disability-44 (OMIM 617061). This disorder may also involve distinctive facial features, microcephaly, abnormalities of the fingers, particularly brachydactyly, tapering fingers, and broad interphalangeal joints.